The following is an entry in ClinVar:

NM_000245.4(MET):c.2527C>T (p.Pro843Ser)

Gene: MET (MET proto-oncogene, receptor tyrosine kinase; plus strand). Cytogenetic location: 7q31.2.
Variant type: single nucleotide variant.
Coding change: c.2527C>T on transcript NM_000245.4 (MANE Select); coding-DNA position 2527, C replaced by T.
Protein change: p.Pro843Ser; replaces proline 843 with serine.
Molecular consequence: missense variant.
Genome position (GRCh38, 1-based): chr7:116,763,212, C>T. VCF-style: chr7-116763212-C-T. GRCh37 (hg19) VCF-style: chr7-116403266-C-T.
Other names: c.2581C>T, p.Pro861Ser (NM_001127500.3); c.2527C>T, p.Pro843Ser (NM_001324401.3); c.1237C>T, p.Pro413Ser (NM_001324402.2); short protein forms P413S, P861S, P843S.
Identifiers: ClinVar variation 1793380 (VCV001793380.5), dbSNP rs905891313, ClinGen allele CA368983537.
Genomic context (GRCh38, chr7:116,763,212, plus strand): 5'-TTAGATGGGATCCTTTCCAAATACTTTGATCTCATTTATGTACATAATCCTGTGTTTAAG[C>T]CTTTTGAAAAGCCAGTGATGATCTCAATGGGCAATGAAAATGTACTGGAAATTAAGGTAA-3'
Protein context (NP_000236.2, residues 833-853): LIYVHNPVFK[Pro843Ser]FEKPVMISMG

ClinVar aggregate classification (germline): Uncertain significance. Review status: criteria provided, multiple submitters, no conflicts (2 of 4 stars). 2 submissions from 2 submitters: Uncertain significance (2). Last evaluated 2024-01-06.

Conditions:
Renal cell carcinoma. Identifiers: Orphanet 217071, MedGen C0007134, MeSH D002292, MONDO:0005086, HP:0005584.
Hereditary cancer-predisposing syndrome. Also called: Tumor predisposition; Hereditary Cancer Syndrome; Neoplastic Syndromes, Hereditary; Hereditary neoplastic syndrome. Identifiers: Orphanet 140162, MedGen C0027672, MeSH D009386, MONDO:0015356.

Submissions (2):

Labcorp Genetics (formerly Invitae), Labcorp
Classification: Uncertain significance for Renal cell carcinoma. Last evaluated: 2024-01-06. Review status: criteria provided, single submitter. Criteria: Invitae Variant Classification Sherloc (09022015). Collection method: clinical testing. Allele origin: germline.
Comment: This sequence change replaces proline, which is neutral and non-polar, with serine, which is neutral and polar, at codon 861 of the MET protein (p.Pro861Ser). This variant is not present in population databases (gnomAD no frequency). This variant has not been reported in the literature in individuals affected with MET-related conditions. ClinVar contains an entry for this variant (Variation ID: 1793380). Advanced modeling of protein sequence and biophysical properties (such as structural, functional, and spatial information, amino acid conservation, physicochemical variation, residue mobility, and thermodynamic stability) performed at Invitae indicates that this missense variant is not expected to disrupt MET protein function with a negative predictive value of 80%. In summary, the available evidence is currently insufficient to determine the role of this variant in disease. Therefore, it has been classified as a Variant of Uncertain Significance.

Ambry Genetics
Classification: Uncertain significance for Hereditary cancer-predisposing syndrome. Last evaluated: 2022-08-16. Review status: criteria provided, single submitter. Criteria: Ambry Variant Classification Scheme 2023. Collection method: clinical testing. Allele origin: germline.
Comment: The p.P861S variant (also known as c.2581C>T), located in coding exon 10 of the MET gene, results from a C to T substitution at nucleotide position 2581. The proline at codon 861 is replaced by serine, an amino acid with similar properties. This amino acid position is conserved. In addition, this alteration is predicted to be tolerated by in silico analysis. Since supporting evidence is limited at this time, the clinical significance of this alteration remains unclear.